The following is an entry in ClinVar:

ClinVar aggregate classification (germline): Uncertain significance (1 of 4 stars; one submission).

Submission:

CeGaT Center for Human Genetics Tuebingen
Classification: Uncertain significance. Last evaluated: 2024-04-01. Review status: criteria provided, single submitter. Criteria: CeGaT Center For Human Genetics Tuebingen Variant Classification Criteria Version 2. Collection method: clinical testing. Allele origin: germline. Affected: yes. Observed: 1 variant allele.
Comment: SCN1A: PM2

NM_001165963.4(SCN1A):c.4136C>G (p.Thr1379Ser)

Genes: SCN1A (sodium voltage-gated channel alpha subunit 1; minus strand), LOC102724058 (uncharacterized LOC102724058; plus strand). Cytogenetic location: 2q24.3.
Variant type: single nucleotide variant.
Coding change: c.4136C>G on transcript NM_001165963.4 (MANE Select); coding-DNA position 4136, C replaced by G.
Protein change: p.Thr1379Ser; replaces threonine 1379 with serine.
Molecular consequence: missense variant. On other transcripts: non-coding transcript variant (1).
Genome position (GRCh38, 1-based): chr2:166,002,620, G>C on the plus strand (C>G on the coding strand, the complement: SCN1A is on the minus strand). VCF-style: chr2-166002620-G-C. GRCh37 (hg19) VCF-style: chr2-166859130-G-C.
Other names: c.4052C>G, p.Thr1351Ser (NM_001165964.3, NM_001353957.2, NM_001353958.2); c.4136C>G, p.Thr1379Ser (NM_001202435.3, NM_001353948.2); c.4103C>G, p.Thr1368Ser (NM_001353949.2, NM_001353950.2, NM_001353951.2 and 2 more transcripts); c.4100C>G, p.Thr1367Ser (NM_001353954.2, NM_001353955.2); c.4049C>G, p.Thr1350Ser (NM_001353960.2); c.1694C>G, p.Thr565Ser (NM_001353961.2); short protein forms T1350S, T1351S, T1367S, T1368S, T1379S, T565S.
Identifiers: ClinVar variation 3234799 (VCV003234799.20), dbSNP rs2468436114, ClinGen allele CA349050318.
Genomic context (GRCh38, chr2:166,002,620, plus strand): 5'-AGTTTTAGGCAATCAGTATGATTATTCACGTCTTCGATGTCAAACCTGTCACCAGTTGTG[G>C]TGTTAATACAGTGGTAGAATTTGCCAGCAAACAAATTTACGCCCATGATGCTGAAAATTA-3'
Protein context (NP_001159435.1, residues 1369-1389): FAGKFYHCIN[Thr1379Ser]TTGDRFDIED